The following is an entry in ClinVar:

NM_006767.4(LZTR1):c.1260+1G>C

Gene: LZTR1 (leucine zipper like post translational regulator 1; plus strand). Cytogenetic location: 22q11.21.
Variant type: single nucleotide variant.
Coding change: c.1260+1G>C on transcript NM_006767.4 (MANE Select); the canonical splice donor site of the intron after coding-DNA position 1260, G replaced by C.
Molecular consequence: splice donor variant.
Genome position (GRCh38, 1-based): chr22:20,992,905, G>C. VCF-style: chr22-20992905-G-C. GRCh37 (hg19) VCF-style: chr22-21347194-G-C.
Other names: c.1260+1G>C (NM_006767.3).
Identifiers: ClinVar variation 2068131 (VCV002068131.6), dbSNP rs143868364, ClinGen allele CA410774192.

ClinVar aggregate classification (germline): Likely pathogenic. Review status: criteria provided, multiple submitters, no conflicts (2 of 4 stars). 2 submissions from 2 submitters: Likely pathogenic (2). Last evaluated 2025-12-07.

Conditions:
Hereditary cancer-predisposing syndrome. Also called: Neoplastic Syndromes, Hereditary; Hereditary Cancer Syndrome; Tumor predisposition; Hereditary neoplastic syndrome. Identifiers: Orphanet 140162, MedGen C0027672, MeSH D009386, MONDO:0015356.
Cardiovascular phenotype. Identifiers: MedGen CN230736.

gnomAD v4.1: 1 of 1,585,694 alleles (0.000063%); highest among the groups gnomAD compares: Non-Finnish European, 0.000086%; no homozygotes.

Submissions (2):

Labcorp Genetics (formerly Invitae), Labcorp
Classification: Likely pathogenic. Last evaluated: 2025-12-07. Review status: criteria provided, single submitter. Criteria: Invitae Variant Classification Sherloc (09022015). Collection method: clinical testing. Allele origin: germline.
Comment: This sequence change affects a donor splice site in intron 11 of the LZTR1 gene. It is expected to disrupt RNA splicing. Variants that disrupt the donor or acceptor splice site typically lead to a loss of protein function (PMID: 16199547), and loss-of-function variants in LZTR1 are known to be pathogenic (PMID: 24362817, 25335493, 25480913, 25795793, 29469822, 30368668, 30442762, 30442766, 30481304, 30859559). This variant is not present in population databases (gnomAD no frequency). This variant has not been reported in the literature in individuals affected with LZTR1-related conditions. ClinVar contains an entry for this variant (Variation ID: 2068131). Algorithms developed to predict the effect of sequence changes on RNA splicing suggest that this variant may disrupt the consensus splice site. In summary, the currently available evidence indicates that the variant is pathogenic, but additional data are needed to prove that conclusively. Therefore, this variant has been classified as Likely Pathogenic.

Ambry Genetics
Classification: Likely pathogenic for Cardiovascular phenotype; Hereditary cancer-predisposing syndrome. Last evaluated: 2025-09-09. Review status: criteria provided, single submitter. Criteria: Ambry Variant Classification Scheme 2023. Collection method: clinical testing. Allele origin: germline.
Comment: The c.1260+1G>C intronic variant results from a G to C substitution one nucleotide after coding exon 11 of the LZTR1 gene. Alterations that disrupt the canonical splice site are expected to cause aberrant splicing. In silico splice site analysis predicts that this alteration will weaken the native splice donor site and may result in the creation or strengthening of a novel splice donor site; however, direct evidence is insufficient at this time (Ambry internal data). A resulting transcript is predicted to be in-frame and is not expected to trigger nonsense-mediated mRNA decay; although, direct evidence is unavailable. However, the region predicted to be impacted is critical for protein function (Ambry internal data). This nucleotide position is highly conserved in available vertebrate species. Loss-of-function variants in LZTR1 are related to an increased risk for schwannomas and autosomal recessive Noonan syndrome; however, such associations with autosomal dominant Noonan syndrome have not been observed (Piotrowski A et al. Nat Genet. 2014 Feb;46:182-7; Yamamoto GL et al. J Med Genet. 2015 Jun;52:413-21; Johnston JJ et al. Genet Med. 2018 10;20:1175-1185). Based on the supporting evidence, this variant is likely pathogenic for an increased risk of LZTR1-related schwannomatosis (SWN) and would be expected to cause autosomal recessive Noonan syndrome when present along with a second pathogenic or likely pathogenic variant on the other allele; however, the association of this alteration with autosomal dominant Noonan syndrome is unlikely.

Literature cited by the submitters: PubMed 16199547 (cited by Labcorp Genetics (formerly Invitae), Labcorp); PubMed 24362817 (cited by Labcorp Genetics (formerly Invitae), Labcorp); PubMed 25335493 (cited by Labcorp Genetics (formerly Invitae), Labcorp); PubMed 25480913 (cited by Labcorp Genetics (formerly Invitae), Labcorp); PubMed 25795793 (cited by Labcorp Genetics (formerly Invitae), Labcorp); PubMed 29469822 (cited by Labcorp Genetics (formerly Invitae), Labcorp); PubMed 30368668 (cited by Labcorp Genetics (formerly Invitae), Labcorp); PubMed 30442762 (cited by Labcorp Genetics (formerly Invitae), Labcorp); PubMed 30442766 (cited by Labcorp Genetics (formerly Invitae), Labcorp); PubMed 30481304 (cited by Labcorp Genetics (formerly Invitae), Labcorp); PubMed 30859559 (cited by Labcorp Genetics (formerly Invitae), Labcorp).